The following is an entry in ClinVar:

NM_000350.3(ABCA4):c.869G>A (p.Arg290Gln)

Gene: ABCA4 (ATP binding cassette subfamily A member 4; minus strand). Cytogenetic location: 1p22.1.
Variant type: single nucleotide variant.
Coding change: c.869G>A on transcript NM_000350.3 (MANE Select); coding-DNA position 869, G replaced by A.
Protein change: p.Arg290Gln; replaces arginine 290 with glutamine.
Molecular consequence: missense variant.
Genome position (GRCh38, 1-based): chr1:94,080,708, C>T on the plus strand (G>A on the coding strand, the complement: ABCA4 is on the minus strand). VCF-style: chr1-94080708-C-T. GRCh37 (hg19) VCF-style: chr1-94546264-C-T.
Other names: c.869G>A, p.Arg290Gln (NM_001425324.1); short protein forms R290Q.
Identifiers: ClinVar variation 970444 (VCV000970444.11), dbSNP rs959119236, ClinGen allele CA26870876.

ClinVar aggregate classification (germline): Conflicting classifications of pathogenicity. Review status: criteria provided, conflicting classifications (1 of 4 stars). 3 submissions from 3 submitters: Pathogenic (2); Uncertain significance (1). Last evaluated 2026-06-21.

Conditions:
ABCA4-related disorder. Also called: ABCA4-related disorders; ABCA4-related condition. Identifiers: MedGen CN239167.

Allele frequency attached by ClinVar (database versions not stated): gnomAD exomes below 0.00001 and 0.00006; gnomAD 0.00002; TOPMed 0.00002.
gnomAD v4.1: 82 of 1,613,898 alleles (0.0051%); highest among the groups gnomAD compares: East Asian, 0.042%; no homozygotes.

Submissions (3):

PreventionGenetics, part of Exact Sciences
Classification: Pathogenic for ABCA4-related condition. Last evaluated: 2026-06-21. Review status: criteria provided, single submitter. Criteria: ACMG Guidelines, 2015. Collection method: clinical testing. Allele origin: germline.
Comment: The ABCA4 c.869G>A variant is predicted to result in the amino acid substitution p.Arg290Gln. This variant has been reported, along with a second potentially causative variant in the same gene, in multiple individuals with retinal disease (see for examples: Kim et al. 2019. PubMed ID: 31144483; Table S1, Ma et al. 2021. PubMed ID: 33691693; Table S1, Fenner et al. 2024. PubMed ID: 38309476; Lee et al. 2025. PubMed ID: 39661867). Functional studies demonstrate reduced protein expression, impaired trafficking and enhanced susceptibility to degradation (Kim et al. 2022. PubMed ID: 36566289). An alternate substitution of this same amino acid residue (p.Arg290Trp) has also been reported in individuals with retinal disease (Table S1, Lin et al. 2024. PubMed ID: 38219857). This variant is present in 1 heterozygous individual within the ‘other’ subpopulation in gnomAD. This variant is interpreted as pathogenic.

Labcorp Genetics (formerly Invitae), Labcorp
Classification: Pathogenic. Last evaluated: 2025-02-03. Review status: criteria provided, single submitter. Criteria: Invitae Variant Classification Sherloc (09022015). Collection method: clinical testing. Allele origin: germline.
Comment: This sequence change replaces arginine, which is basic and polar, with glutamine, which is neutral and polar, at codon 290 of the ABCA4 protein (p.Arg290Gln). This variant is present in population databases (no rsID available, gnomAD no frequency). This missense change has been observed in individuals with Stargardt disease or cone dystrophy (PMID: 31144483, 32307445, 33691693; internal data). ClinVar contains an entry for this variant (Variation ID: 970444). An algorithm developed to predict the effect of missense changes on protein structure and function outputs the following: PolyPhen-2: "Benign". The glutamine amino acid residue is found in multiple mammalian species, which suggests that this missense change does not adversely affect protein function. This variant disrupts the p.Arg290 amino acid residue in ABCA4. Other variant(s) that disrupt this residue have been determined to be pathogenic (PMID: 17893657, 23419329, 29854428, 29925512). This suggests that this residue is clinically significant, and that variants that disrupt this residue are likely to be disease-causing. For these reasons, this variant has been classified as Pathogenic.

Blueprint Genetics
Classification: Uncertain significance. Last evaluated: 2022-09-28. Review status: criteria provided, single submitter. Criteria: ACMG Guidelines, 2015. Collection method: clinical testing. Allele origin: germline.

Literature cited by the submitters: PubMed 31144483 (cited by Labcorp Genetics (formerly Invitae), Labcorp); PubMed 32307445 (cited by Labcorp Genetics (formerly Invitae), Labcorp); PubMed 33691693 (cited by Labcorp Genetics (formerly Invitae), Labcorp); PubMed 17893657 (cited by Labcorp Genetics (formerly Invitae), Labcorp); PubMed 23419329 (cited by Labcorp Genetics (formerly Invitae), Labcorp); PubMed 29854428 (cited by Labcorp Genetics (formerly Invitae), Labcorp); PubMed 29925512 (cited by Labcorp Genetics (formerly Invitae), Labcorp).